The following is an entry in ClinVar:

NM_001099922.3(ALG13):c.1971G>A (p.Met657Ile)

Gene: ALG13 (ALG13 UDP-N-acetylglucosaminyltransferase subunit; plus strand). Cytogenetic location: Xq23.
Variant type: single nucleotide variant.
Coding change: c.1971G>A on transcript NM_001099922.3 (MANE Select); coding-DNA position 1971, G replaced by A.
Protein change: p.Met657Ile; replaces methionine 657 with isoleucine.
Molecular consequence: missense variant. On other transcripts: non-coding transcript variant (1).
Genome position (GRCh38, 1-based): chrX:111,727,050, G>A. VCF-style: chrX-111727050-G-A. GRCh37 (hg19) VCF-style: chrX-110970278-G-A.
Other names: c.1659G>A, p.Met553Ile (NM_001257230.2, NM_001257234.2, NM_001257237.2); c.1737G>A, p.Met579Ile (NM_001257231.2); c.1971G>A, p.Met657Ile (NM_001324292.2); c.1485G>A, p.Met495Ile (NM_001324293.1); short protein forms M495I, M553I, M579I, M657I.
Identifiers: ClinVar variation 1169176 (VCV001169176.15), dbSNP rs1290639452, ClinGen allele CA414252949.

ClinVar aggregate classification (germline): Benign/Likely benign. Review status: criteria provided, multiple submitters, no conflicts (2 of 4 stars). 2 submissions from 2 submitters: Benign (1); Likely benign (1). Last evaluated 2025-11-17.

Conditions:
Developmental and epileptic encephalopathy, 36 (DEE36). Also called: Congenital disorder of glycosylation, type Is; ALG13-CDG; Epileptic encephalopathy, early infantile, 36. Identifiers: Orphanet 324422, MedGen C4317295, MONDO:0010472, OMIM 300884.

Allele frequency attached by ClinVar (database versions not stated): gnomAD exomes 0.00004 and 0.00022; gnomAD 0.00038 and 0.00039; TOPMed 0.00038.
gnomAD v4.1: 84 of 1,209,149 alleles (0.0069%); highest among the groups gnomAD compares: Admixed American, 0.18%; 1 homozygote.

Submissions (2):

Labcorp Genetics (formerly Invitae), Labcorp
Classification: Benign for Developmental and epileptic encephalopathy, 36. Last evaluated: 2025-11-17. Review status: criteria provided, single submitter. Criteria: Invitae Variant Classification Sherloc (09022015). Collection method: clinical testing. Allele origin: germline.

CeGaT Center for Human Genetics Tuebingen
Classification: Likely benign. Last evaluated: 2025-10-01. Review status: criteria provided, single submitter. Criteria: CeGaT Center For Human Genetics Tuebingen Variant Classification Criteria Version 2. Collection method: clinical testing. Allele origin: germline. Affected: yes. Observed: 1 variant allele.
Comment: ALG13: BP4, BS2